The following is an entry in ClinVar:

NM_032228.6(FAR1):c.797G>T (p.Arg266Leu)

Gene: FAR1 (fatty acyl-CoA reductase 1; plus strand). Cytogenetic location: 11p15.3.
Variant type: single nucleotide variant.
Coding change: c.797G>T on transcript NM_032228.6 (MANE Select); coding-DNA position 797, G replaced by T.
Protein change: p.Arg266Leu; replaces arginine 266 with leucine.
Molecular consequence: missense variant.
Genome position (GRCh38, 1-based): chr11:13,711,956, G>T. VCF-style: chr11-13711956-G-T. GRCh37 (hg19) VCF-style: chr11-13733503-G-T.
Other names: short protein forms R266L.
Identifiers: ClinVar variation 2811292 (VCV002811292.3), dbSNP rs1169997159, ClinGen allele CA379857734.

ClinVar aggregate classification (germline): Uncertain significance (1 of 4 stars; one submission).

Allele frequency attached by ClinVar (database versions not stated): TOPMed below 0.00001.
gnomAD v4.1: 1 of 1,613,224 alleles (0.000062%); highest among the groups gnomAD compares: Non-Finnish European, 0.000085%; no homozygotes.

Submission:

Labcorp Genetics (formerly Invitae), Labcorp
Classification: Uncertain significance. Last evaluated: 2023-12-14. Review status: criteria provided, single submitter. Criteria: Invitae Variant Classification Sherloc (09022015). Collection method: clinical testing. Allele origin: germline.
Comment: This sequence change replaces arginine, which is basic and polar, with leucine, which is neutral and non-polar, at codon 266 of the FAR1 protein (p.Arg266Leu). This variant is not present in population databases (gnomAD no frequency). This variant has not been reported in the literature in individuals affected with FAR1-related conditions. Advanced modeling of protein sequence and biophysical properties (such as structural, functional, and spatial information, amino acid conservation, physicochemical variation, residue mobility, and thermodynamic stability) performed at Invitae indicates that this missense variant is not expected to disrupt FAR1 protein function with a negative predictive value of 80%. In summary, the available evidence is currently insufficient to determine the role of this variant in disease. Therefore, it has been classified as a Variant of Uncertain Significance.